The following is an entry in ClinVar:

ClinVar aggregate classification (germline): Uncertain significance. Review status: criteria provided, multiple submitters, no conflicts (2 of 4 stars). 3 submissions from 3 submitters: Uncertain significance (3). Last evaluated 2025-07-24.

Conditions:
Myopathy with tubular aggregates (TAM). Also called: Tubular Aggregate Myopathy. Identifiers: Orphanet 2593, MedGen C0410207, MONDO:0008051.
Combined immunodeficiency due to STIM1 deficiency. Also called: STIM1 DEFICIENCY; IMMUNODEFICIENCY 10. Identifiers: Orphanet 169090, Orphanet 317430, MedGen C2748557, MONDO:0013008, OMIM 612783.
Stormorken syndrome (STRMK). Also called: THROMBOCYTOPATHY, ASPLENIA, AND MIOSIS. Identifiers: Orphanet 3204, MedGen C1861451, MONDO:0008497, OMIM 185070.

Allele frequency attached by ClinVar (database versions not stated): ExAC 0.00001; gnomAD 0.00001; gnomAD exomes 0.00001; TOPMed 0.00001.
gnomAD v4.1: 10 of 1,614,156 alleles (0.00062%); highest among the groups gnomAD compares: Admixed American, 0.0033%; no homozygotes.

Submissions (3):

Labcorp Genetics (formerly Invitae), Labcorp
Classification: Uncertain significance for Myopathy with tubular aggregates; Combined immunodeficiency due to STIM1 deficiency; Stormorken syndrome. Last evaluated: 2025-07-24. Review status: criteria provided, single submitter. Criteria: Invitae Variant Classification Sherloc (09022015). Collection method: clinical testing. Allele origin: germline.
Comment: This sequence change replaces arginine, which is basic and polar, with histidine, which is basic and polar, at codon 235 of the STIM1 protein (p.Arg235His). This variant is present in population databases (rs764002968, gnomAD 0.004%). This variant has not been reported in the literature in individuals affected with STIM1-related conditions. ClinVar contains an entry for this variant (Variation ID: 1427074). Invitae Evidence Modeling of protein sequence and biophysical properties (such as structural, functional, and spatial information, amino acid conservation, physicochemical variation, residue mobility, and thermodynamic stability) has been performed for this missense variant. However, the output from this modeling did not meet the statistical confidence thresholds required to predict the impact of this variant on STIM1 protein function. In summary, the available evidence is currently insufficient to determine the role of this variant in disease. Therefore, it has been classified as a Variant of Uncertain Significance.

Revvity Omics, Revvity
Classification: Uncertain significance. Last evaluated: 2024-01-05. Review status: criteria provided, single submitter. Criteria: ACMG Guidelines, 2015. Collection method: clinical testing. Allele origin: germline.

Blueprint Genetics
Classification: Uncertain significance. Last evaluated: 2022-06-22. Review status: criteria provided, single submitter. Criteria: ACMG Guidelines, 2015. Collection method: clinical testing. Allele origin: germline.

NM_001382567.1(STIM1):c.704G>A (p.Arg235His)

Gene: STIM1 (stromal interaction molecule 1; plus strand). Cytogenetic location: 11p15.4.
Variant type: single nucleotide variant.
Coding change: c.704G>A on transcript NM_001382567.1 (MANE Select); coding-DNA position 704, G replaced by A.
Protein change: p.Arg235His; replaces arginine 235 with histidine.
Molecular consequence: missense variant. On other transcripts: non-coding transcript variant (2).
Genome position (GRCh38, 1-based): chr11:4,070,116, G>A. VCF-style: chr11-4070116-G-A. GRCh37 (hg19) VCF-style: chr11-4091346-G-A.
Other names: c.704G>A (NM_003156.3); c.704G>A, p.Arg235His (NM_001277961.3, NM_001277962.2, NM_001382568.1 and 2 more transcripts); c.482G>A, p.Arg161His (NM_001382566.1, NM_001382573.1, NM_001382574.1 and 5 more transcripts); c.569G>A, p.Arg190His (NM_001382569.1); c.476G>A, p.Arg159His (NM_001382570.1); c.224G>A, p.Arg75His (NM_001382571.1); c.215G>A, p.Arg72His (NM_001382580.1, NM_001382581.1); short protein forms R190H, R235H, R159H, R161H, R72H, R75H.
Identifiers: ClinVar variation 1427074 (VCV001427074.10), dbSNP rs764002968, ClinGen allele CA5830297.